The following is an entry in ClinVar:

ClinVar aggregate classification (germline): Uncertain significance. Review status: criteria provided, multiple submitters, no conflicts (2 of 4 stars). 2 submissions from 2 submitters: Uncertain significance (2). Last evaluated 2023-10-03.

Conditions:
Inborn genetic diseases. Identifiers: MedGen C0950123, MeSH D030342.
Muscular dystrophy-dystroglycanopathy (congenital with brain and eye anomalies), type a, 8 (MDDGA8). Also called: WALKER-WARBURG SYNDROME OR MUSCLE-EYE-BRAIN DISEASE, GTDC2-RELATED. Identifiers: Orphanet 899, MedGen C3553813, MONDO:0013904, OMIM 614830.

Allele frequency attached by ClinVar (database versions not stated): gnomAD exomes below 0.00001 and 0.00001; ExAC 0.00001; gnomAD 0.00003; TOPMed 0.00003.
gnomAD v4.1: 21 of 1,614,014 alleles (0.0013%); highest among the groups gnomAD compares: Admixed American, 0.01%; no homozygotes.

Submissions (2):

Labcorp Genetics (formerly Invitae), Labcorp
Classification: Uncertain significance for Muscular dystrophy-dystroglycanopathy (congenital with brain and eye anomalies), type a, 8. Last evaluated: 2023-10-03. Review status: criteria provided, single submitter. Criteria: Invitae Variant Classification Sherloc (09022015). Collection method: clinical testing. Allele origin: germline.
Comment: This sequence change replaces arginine, which is basic and polar, with tryptophan, which is neutral and slightly polar, at codon 333 of the POMGNT2 protein (p.Arg333Trp). The frequency data for this variant in the population databases is considered unreliable, as metrics indicate poor data quality at this position in the gnomAD database. This variant has not been reported in the literature in individuals affected with POMGNT2-related conditions. ClinVar contains an entry for this variant (Variation ID: 661494). Advanced modeling of protein sequence and biophysical properties (such as structural, functional, and spatial information, amino acid conservation, physicochemical variation, residue mobility, and thermodynamic stability) performed at Invitae indicates that this missense variant is not expected to disrupt POMGNT2 protein function. In summary, the available evidence is currently insufficient to determine the role of this variant in disease. Therefore, it has been classified as a Variant of Uncertain Significance.

Ambry Genetics
Classification: Uncertain significance for Inborn genetic diseases. Last evaluated: 2022-11-08. Review status: criteria provided, single submitter. Criteria: Ambry Variant Classification Scheme 2023. Collection method: clinical testing. Allele origin: germline.

NM_032806.6(POMGNT2):c.997C>T (p.Arg333Trp)

Gene: POMGNT2 (protein O-linked mannose N-acetylglucosaminyltransferase 2 (beta 1,4-); minus strand). Cytogenetic location: 3p22.1.
Variant type: single nucleotide variant.
Coding change: c.997C>T on transcript NM_032806.6 (MANE Select); coding-DNA position 997, C replaced by T.
Protein change: p.Arg333Trp; replaces arginine 333 with tryptophan.
Molecular consequence: missense variant.
Genome position (GRCh38, 1-based): chr3:43,080,435, G>A on the plus strand (C>T on the coding strand, the complement: POMGNT2 is on the minus strand). VCF-style: chr3-43080435-G-A. GRCh37 (hg19) VCF-style: chr3-43121927-G-A.
Other names: c.997C>T (NM_032806.4); short protein forms R333W.
Identifiers: ClinVar variation 661494 (VCV000661494.4), dbSNP rs749833091, ClinGen allele CA2339954.